The following is an entry in ClinVar:

ClinVar aggregate classification (germline): Uncertain significance. Review status: criteria provided, multiple submitters, no conflicts (2 of 4 stars). 2 submissions from 2 submitters: Uncertain significance (2). Last evaluated 2024-08-12.

Allele frequency attached by ClinVar (database versions not stated): gnomAD 0.00002; TOPMed 0.00002; ExAC 0.00006.

Submissions (2):

Ambry Genetics
Classification: Uncertain significance. Last evaluated: 2024-08-12. Review status: criteria provided, single submitter. Criteria: Ambry Variant Classification Scheme 2023. Collection method: clinical testing. Allele origin: germline.

Labcorp Genetics (formerly Invitae), Labcorp
Classification: Uncertain significance. Last evaluated: 2022-12-04. Review status: criteria provided, single submitter. Criteria: Invitae Variant Classification Sherloc (09022015). Collection method: clinical testing. Allele origin: germline.
Comment: In summary, the available evidence is currently insufficient to determine the role of this variant in disease. Therefore, it has been classified as a Variant of Uncertain Significance. Algorithms developed to predict the effect of missense changes on protein structure and function are either unavailable or do not agree on the potential impact of this missense change (SIFT: "Deleterious"; PolyPhen-2: "Benign"; Align-GVGD: "Class C0"). This variant has not been reported in the literature in individuals affected with DSCAML1-related conditions. This variant is present in population databases (rs746320891, gnomAD 0.02%). This sequence change replaces arginine, which is basic and polar, with glutamine, which is neutral and polar, at codon 345 of the DSCAML1 protein (p.Arg345Gln).

NM_020693.4(DSCAML1):c.854G>A (p.Arg285Gln)

Gene: DSCAML1 (DS cell adhesion molecule like 1; minus strand). Cytogenetic location: 11q23.3.
Variant type: single nucleotide variant.
Coding change: c.854G>A on transcript NM_020693.4 (MANE Select); coding-DNA position 854, G replaced by A.
Protein change: p.Arg285Gln; replaces arginine 285 with glutamine.
Molecular consequence: missense variant.
Genome position (GRCh38, 1-based): chr11:117,524,888, C>T on the plus strand (G>A on the coding strand, the complement: DSCAML1 is on the minus strand). VCF-style: chr11-117524888-C-T. GRCh37 (hg19) VCF-style: chr11-117395603-C-T.
Other names: c.1034G>A (NM_020693.2); c.854G>A, p.Arg285Gln (NM_001367904.1); c.446G>A, p.Arg149Gln (NM_001367905.1); short protein forms R149Q, R285Q.
Identifiers: ClinVar variation 2178267 (VCV002178267.5), dbSNP rs746320891, ClinGen allele CA6297435.
Genomic context (GRCh38, chr11:117,524,888, plus strand): 5'-GCCTCTGCCGAACCGAAGGTGTTGGTGACCTCACAAATGTAGGTGCCGCTGTCCTCGGTC[C>T]GCAAGTCGCTGATGGTCAGCCCTGTGATGCGCTTGGTCCAGCGGCTGTCAGCCGGGAGGG-3'
Protein context (NP_065744.3, residues 275-295): RITGLTISDL[Arg285Gln]TEDSGTYICE